The following is an entry in ClinVar:

ClinVar aggregate classification (germline): Pathogenic (1 of 4 stars; one submission).

Conditions:
Autoimmune lymphoproliferative syndrome type 1. Also called: AUTOIMMUNE LYMPHOPROLIFERATIVE SYNDROME, TYPE I, AUTOSOMAL DOMINANT. Identifiers: Orphanet 3261, MedGen C2717884, MONDO:0011158, OMIM 601859.

Submissions (2):

Labcorp Genetics (formerly Invitae), Labcorp
Classification: Pathogenic for Autoimmune lymphoproliferative syndrome. Last evaluated: 2022-10-17. Review status: criteria provided, single submitter. Criteria: Invitae Variant Classification Sherloc (09022015). Collection method: clinical testing. Allele origin: germline.
Comment: For these reasons, this variant has been classified as Pathogenic. Variants that disrupt the consensus splice site are a relatively common cause of aberrant splicing (PMID: 17576681, 9536098). Algorithms developed to predict the effect of sequence changes on RNA splicing suggest that this variant may disrupt the consensus splice site. Disruption of this splice site has been observed in individuals with autoimmune lymphoproliferative syndrome (PMID: 10515860, 22237435). This variant is not present in population databases (gnomAD no frequency). This sequence change affects a donor splice site in intron 8 of the FAS gene. While this variant is not anticipated to result in nonsense mediated decay, it likely alters RNA splicing and results in a disrupted protein product.

Dr. Peter K. Rogan Lab, Western University
No classification provided (evidence only). Condition: Malignant lymphoma, large B-cell, diffuse. Review status: no classification provided. Collection method: in vitro. Allele origin: not applicable. Functional consequence: skipped exon, retained intron. Not counted in ClinVar's aggregate classification.

Literature cited by the submitters: PubMed 17576681 (cited by Labcorp Genetics (formerly Invitae), Labcorp); PubMed 9536098 (cited by Labcorp Genetics (formerly Invitae), Labcorp); PubMed 10515860 (cited by Labcorp Genetics (formerly Invitae), Labcorp); PubMed 22237435 (cited by Labcorp Genetics (formerly Invitae), Labcorp).

NM_000043.6(FAS):c.676+1G>C

Gene: FAS (Fas cell surface death receptor; plus strand). Cytogenetic location: 10q23.31.
Variant type: single nucleotide variant.
Coding change: c.676+1G>C on transcript NM_000043.6 (MANE Select); the canonical splice donor site of the intron after coding-DNA position 676, G replaced by C.
Molecular consequence: splice donor variant. On other transcripts: intron variant (1).
Genome position (GRCh38, 1-based): chr10:89,013,368, G>C. VCF-style: chr10-89013368-G-C. GRCh37 (hg19) VCF-style: chr10-90773125-G-C.
Other names: c.652-751G>C (NM_152872.4); c.593+1G>C (NM_001320619.2); c.613+1G>C (NM_152871.4); c.721+1G>C (NM_001410956.1).
Identifiers: ClinVar variation 2130948 (VCV002130948.5), dbSNP rs1589488640, ClinGen allele CA377509466.
Genomic context (GRCh38, chr10:89,013,368, plus strand): 5'-TTTGTCTTTCTCTGCTTCCATTTTTTGCTTTCTAGGAAACAGTGGCAATAAATTTATCTG[G>C]TAAGGCTTTTATCATTTTATTTCATAGAGATGGCATCCTTTAGAGTAATAGGCCAATTTC-3'